The following is an entry in ClinVar:

NM_001365276.2(TNXB):c.3664A>T (p.Lys1222Ter)

Gene: TNXB (tenascin XB; minus strand). Cytogenetic location: 6p21.33.
Variant type: single nucleotide variant.
Coding change: c.3664A>T on transcript NM_001365276.2 (MANE Select); coding-DNA position 3664, A replaced by T.
Protein change: p.Lys1222Ter; replaces lysine 1222 with a stop codon.
Molecular consequence: nonsense.
Genome position (GRCh38, 1-based): chr6:32,082,108, T>A on the plus strand (A>T on the coding strand, the complement: TNXB is on the minus strand). VCF-style: chr6-32082108-T-A. GRCh37 (hg19) VCF-style: chr6-32049885-T-A.
Other names: c.4405A>T, p.Lys1469Ter (NM_001428335.1); c.3664A>T, p.Lys1222Ter (NM_019105.8); short protein forms K1222*, K1469*.
Identifiers: ClinVar variation 5015245 (VCV005015245.1).

ClinVar aggregate classification (germline): Pathogenic (1 of 4 stars; one submission).

Conditions:
Ehlers-Danlos syndrome due to tenascin-X deficiency (EDSCLL1). Also called: EDS DUE TO TNX DEFICIENCY; TNX DEFICIENCY; Ehlers-Danlos syndrome, classic-like, 1; EHLERS-DANLOS SYNDROME, CLASSIC-LIKE; TNXB-Related Classical-Like Ehlers-Danlos Syndrome. Identifiers: Orphanet 230839, MedGen C1848029, MONDO:0011670, OMIM 606408.

Submission:

Myriad Genetics, Inc.
Classification: Pathogenic for Ehlers-Danlos syndrome due to tenascin-X deficiency. Last evaluated: 2025-11-21. Review status: criteria provided, single submitter. Criteria: Myriad Autosomal Dominant, Autosomal Recessive and X-Linked Classification Criteria (2023). Collection method: clinical testing. Allele origin: unknown.
Comment: NM_019105.6(TNXB):c.3664A>T(K1222*) is expected to be pathogenic in the context of classical-like Ehlers-Danlos syndrome, TNXB-related. This variant is predicted to lead to an abnormal or absent protein product due to the creation of a premature termination codon in TNXB, a gene where loss-of-function variants are known to be pathogenic. Please note: this variant was assessed in the context of healthy population screening.